The following is an entry in ClinVar:

NM_003900.5(SQSTM1):c.531+1G>A

Gene: SQSTM1 (sequestosome 1; plus strand). Cytogenetic location: 5q35.3.
Variant type: single nucleotide variant.
Coding change: c.531+1G>A on transcript NM_003900.5 (MANE Select); the canonical splice donor site of the intron after coding-DNA position 531, G replaced by A.
Molecular consequence: splice donor variant.
Genome position (GRCh38, 1-based): chr5:179,824,088, G>A. VCF-style: chr5-179824088-G-A. GRCh37 (hg19) VCF-style: chr5-179251088-G-A.
Other names: c.279+1G>A (NM_001142298.2, NM_001142299.2).
Identifiers: ClinVar variation 4880851 (VCV004880851.2).
Genomic context (GRCh38, chr5:179,824,088, plus strand): 5'-GGCTTGCACCGGGGGCACACCAAGCTCGCATTCCCCAGCCCCTTCGGGCACCTGTCTGAG[G>A]TGAGCAGGCCCTCTGTGCAGGCCTGGGGTGGGCTCAGGGTGGCAGGAACCTTGACCCGCT-3'

ClinVar aggregate classification (germline): Likely pathogenic (1 of 4 stars; one submission).

gnomAD v4.1: 1 of 1,613,874 alleles (0.000062%); highest among the groups gnomAD compares: Non-Finnish European, 0.000085%; no homozygotes.

Submission:

Dasa
Classification: Likely pathogenic. Last evaluated: 2024-12-03. Review status: criteria provided, single submitter. Criteria: DASA Assertion Criteria. Collection method: clinical testing. Allele origin: germline.
Comment: NM_003900.5(SQSTM1):c.531+1G>A affects a canonical splice site and is predicted to disrupt normal RNA splicing. Loss of function is an established disease mechanism for SQSTM1-associated disorders. Also, this variant is rare in population databases. Based on the currently available evidence, this variant is classified as likely pathogenic.